The following is an entry in ClinVar:

ClinVar aggregate classification (germline): Uncertain significance (1 of 4 stars; one submission).

Conditions:
RASopathy. Also called: Noonan spectrum disorder; rasopathies. Identifiers: Orphanet 536391, MedGen C5555857, MONDO:0021060.

Submission:

Labcorp Genetics (formerly Invitae), Labcorp
Classification: Uncertain significance for RASopathy. Last evaluated: 2024-12-11. Review status: criteria provided, single submitter. Criteria: Invitae Variant Classification Sherloc (09022015). Collection method: clinical testing. Allele origin: germline.
Comment: This sequence change replaces proline, which is neutral and non-polar, with arginine, which is basic and polar, at codon 266 of the MAP2K2 protein (p.Pro266Arg). This variant is not present in population databases (gnomAD no frequency). This variant has not been reported in the literature in individuals affected with MAP2K2-related conditions. Invitae Evidence Modeling of protein sequence and biophysical properties (such as structural, functional, and spatial information, amino acid conservation, physicochemical variation, residue mobility, and thermodynamic stability) indicates that this missense variant is expected to disrupt MAP2K2 protein function with a positive predictive value of 80%. In summary, the available evidence is currently insufficient to determine the role of this variant in disease. Therefore, it has been classified as a Variant of Uncertain Significance.

NM_030662.4(MAP2K2):c.797C>G (p.Pro266Arg)

Gene: MAP2K2 (mitogen-activated protein kinase kinase 2; minus strand). Cytogenetic location: 19p13.3.
Variant type: single nucleotide variant.
Coding change: c.797C>G on transcript NM_030662.4 (MANE Select); coding-DNA position 797, C replaced by G.
Protein change: p.Pro266Arg; replaces proline 266 with arginine.
Molecular consequence: missense variant.
Genome position (GRCh38, 1-based): chr19:4,099,323, G>C on the plus strand (C>G on the coding strand, the complement: MAP2K2 is on the minus strand). VCF-style: chr19-4099323-G-C. GRCh37 (hg19) VCF-style: chr19-4099321-G-C.
Other names: short protein forms P266R.
Identifiers: ClinVar variation 3636796 (VCV003636796.2).